The following is an entry in ClinVar:

NM_033026.6(PCLO):c.6298A>G (p.Arg2100Gly)

Gene: PCLO (piccolo presynaptic cytomatrix protein; minus strand). Cytogenetic location: 7q21.11.
Variant type: single nucleotide variant.
Coding change: c.6298A>G on transcript NM_033026.6 (MANE Select); coding-DNA position 6298, A replaced by G.
Protein change: p.Arg2100Gly; replaces arginine 2100 with glycine.
Molecular consequence: missense variant.
Genome position (GRCh38, 1-based): chr7:82,954,655, T>C on the plus strand (A>G on the coding strand, the complement: PCLO is on the minus strand). VCF-style: chr7-82954655-T-C. GRCh37 (hg19) VCF-style: chr7-82583971-T-C.
Other names: c.6298A>G, p.Arg2100Gly (NM_014510.3); short protein forms R2100G.
Identifiers: ClinVar variation 1494320 (VCV001494320.8), dbSNP rs2116447164, ClinGen allele CA367919939.

ClinVar aggregate classification (germline): Uncertain significance (1 of 4 stars; one submission).

Allele frequency attached by ClinVar (database versions not stated): gnomAD exomes 0.00001.
gnomAD v4.1: 3 of 1,613,966 alleles (0.00019%); highest among the groups gnomAD compares: Non-Finnish European, 0.00025%; no homozygotes.

Submission:

Labcorp Genetics (formerly Invitae), Labcorp
Classification: Uncertain significance. Last evaluated: 2020-12-17. Review status: criteria provided, single submitter. Criteria: Invitae Variant Classification Sherloc (09022015). Collection method: clinical testing. Allele origin: germline.
Comment: This variant has not been reported in the literature in individuals with PCLO-related conditions. In summary, the available evidence is currently insufficient to determine the role of this variant in disease. Therefore, it has been classified as a Variant of Uncertain Significance. Algorithms developed to predict the effect of missense changes on protein structure and function are either unavailable or do not agree on the potential impact of this missense change (SIFT: "Tolerated"; PolyPhen-2: "Not Available"; Align-GVGD: "Class C0"). This variant is not present in population databases (ExAC no frequency). This sequence change replaces arginine with glycine at codon 2100 of the PCLO protein (p.Arg2100Gly). The arginine residue is moderately conserved and there is a moderate physicochemical difference between arginine and glycine.